The following is an entry in ClinVar:

ClinVar aggregate classification (germline): Uncertain significance (1 of 4 stars; one submission).

Conditions:
Hereditary cancer-predisposing syndrome. Also called: Neoplastic Syndromes, Hereditary; Tumor predisposition; Hereditary neoplastic syndrome; Hereditary Cancer Syndrome. Identifiers: Orphanet 140162, MedGen C0027672, MeSH D009386, MONDO:0015356.

Submission:

Ambry Genetics
Classification: Uncertain significance for Hereditary cancer-predisposing syndrome. Last evaluated: 2023-11-12. Review status: criteria provided, single submitter. Criteria: Ambry Variant Classification Scheme 2023. Collection method: clinical testing. Allele origin: germline.
Comment: The p.N1660K variant (also known as c.4980T>A), located in coding exon 22 of the DICER1 gene, results from a T to A substitution at nucleotide position 4980. The asparagine at codon 1660 is replaced by lysine, an amino acid with similar properties. This amino acid position is conserved. In addition, this alteration is predicted to be tolerated by in silico analysis. Since supporting evidence is limited at this time, the clinical significance of this alteration remains unclear.

NM_177438.3(DICER1):c.4980T>A (p.Asn1660Lys)

Gene: DICER1 (dicer 1, ribonuclease III; minus strand). Cytogenetic location: 14q32.13.
Variant type: single nucleotide variant.
Coding change: c.4980T>A on transcript NM_177438.3 (MANE Select); coding-DNA position 4980, T replaced by A.
Protein change: p.Asn1660Lys; replaces asparagine 1660 with lysine.
Molecular consequence: missense variant. On other transcripts: non-coding transcript variant (6).
Genome position (GRCh38, 1-based): chr14:95,095,940, A>T on the plus strand (T>A on the coding strand, the complement: DICER1 is on the minus strand). VCF-style: chr14-95095940-A-T. GRCh37 (hg19) VCF-style: chr14-95562277-A-T.
Other names: c.4980T>A, p.Asn1660Lys (NM_001195573.1, NM_001271282.3, NM_001291628.2 and 13 more transcripts); c.4698T>A, p.Asn1566Lys (NM_001395686.1); c.4575T>A, p.Asn1525Lys (NM_001395687.1, NM_001395688.1, NM_001395689.1 and 2 more transcripts); c.4413T>A, p.Asn1471Lys (NM_001395691.1); c.3297T>A, p.Asn1099Lys (NM_001395697.1); short protein forms N1099K, N1471K, N1525K, N1566K, N1660K.
Identifiers: ClinVar variation 3229423 (VCV003229423.1), dbSNP rs2542478687, ClinGen allele CA390866178.
Genomic context (GRCh38, chr14:95,095,940, plus strand): 5'-CTTATTCTTGAATCTGTAGTTGATTTTCTTTTCAAAATTTTCAAACCCCGATATAAGGTG[A>T]TTCAGTGTTTTATCTGCATCTGGATGATCAAACATACATCTTGGTGGAATCTTCAAACAA-3'
Protein context (NP_803187.1, residues 1650-1670): FDHPDADKTL[Asn1660Lys]HLISGFENFE